The following is an entry in ClinVar:

NM_024598.4(USB1):c.456C>G (p.Phe152Leu)

Gene: USB1 (U6 snRNA biogenesis phosphodiesterase 1; plus strand). Cytogenetic location: 16q21.
Variant type: single nucleotide variant.
Coding change: c.456C>G on transcript NM_024598.4 (MANE Select); coding-DNA position 456, C replaced by G.
Protein change: p.Phe152Leu; replaces phenylalanine 152 with leucine.
Molecular consequence: missense variant. On other transcripts: intron variant (1).
Genome position (GRCh38, 1-based): chr16:58,014,279, C>G. VCF-style: chr16-58014279-C-G. GRCh37 (hg19) VCF-style: chr16-58048183-C-G.
Other names: c.303C>G, p.Phe101Leu (NM_001330568.2); c.450-3055C>G (NM_001195302.2); short protein forms F152L, F101L.
Identifiers: ClinVar variation 3813875 (VCV003813875.1).

ClinVar aggregate classification (germline): Uncertain significance (1 of 4 stars; one submission).

Conditions:
Inborn genetic diseases. Identifiers: MedGen C0950123, MeSH D030342.

gnomAD v4.1: 4 of 1,613,242 alleles (0.00025%); highest among the groups gnomAD compares: Non-Finnish European, 0.00034%; no homozygotes.

Submission:

Ambry Genetics
Classification: Uncertain significance for Inborn genetic diseases. Last evaluated: 2025-01-06. Review status: criteria provided, single submitter. Criteria: Ambry Variant Classification Scheme 2023. Collection method: clinical testing. Allele origin: germline.
Comment: The p.F152L variant (also known as c.456C>G), located in coding exon 4 of the USB1 gene, results from a C to G substitution at nucleotide position 456. The phenylalanine at codon 152 is replaced by leucine, an amino acid with highly similar properties. This amino acid position is conserved. In addition, this alteration is predicted to be tolerated by in silico analysis. Based on the available evidence, the clinical significance of this variant remains unclear.